The following is an entry in ClinVar:

NR_163594.1(SSPO):n.2425C>T

Variant type: single nucleotide variant.
Molecular consequence: non-coding transcript variant (on NR_163594.1).
Genome position: GRCh38 VCF-style: chr7-149783622-C-T. GRCh37 (hg19) VCF-style: chr7-149480710-C-T.
Other names: NM_198455.2:c.2416C>T.
Identifiers: ClinVar variation 3449818 (VCV003449818.2).

ClinVar aggregate classification (germline): Uncertain significance. Review status: criteria provided, multiple submitters, no conflicts (2 of 4 stars). 2 submissions from 2 submitters: Uncertain significance (2). Last evaluated 2025-06-16.

Conditions:
SSPO-related condition.

Submissions (2):

PreventionGenetics, part of Exact Sciences
Classification: Uncertain significance for SSPO-related condition. Last evaluated: 2025-06-16. Review status: criteria provided, single submitter. Criteria: ACMG Guidelines, 2015. Collection method: clinical testing. Allele origin: germline.
Comment: The SSPO c.2416C>T variant is predicted to result in the amino acid substitution p.Arg806Cys. To our knowledge, this variant has not been reported in the literature. This variant is reported in 0.0029% of alleles in individuals of Latino descent in gnomAD. At this time, the clinical significance of this variant is uncertain due to the absence of conclusive functional and genetic evidence.

Ambry Genetics
Classification: Uncertain significance. Last evaluated: 2024-09-11. Review status: criteria provided, single submitter. Criteria: Ambry Variant Classification Scheme 2023. Collection method: clinical testing. Allele origin: germline.